The following is an entry in ClinVar:

NM_006766.5(KAT6A):c.4235A>T (p.Glu1412Val)

Gene: KAT6A (lysine acetyltransferase 6A; minus strand). Cytogenetic location: 8p11.21.
Variant type: single nucleotide variant.
Coding change: c.4235A>T on transcript NM_006766.5 (MANE Select); coding-DNA position 4235, A replaced by T.
Protein change: p.Glu1412Val; replaces glutamic acid 1412 with valine.
Molecular consequence: missense variant.
Genome position (GRCh38, 1-based): chr8:41,933,985, T>A on the plus strand (A>T on the coding strand, the complement: KAT6A is on the minus strand). VCF-style: chr8-41933985-T-A. GRCh37 (hg19) VCF-style: chr8-41791503-T-A.
Other names: short protein forms E1412V.
Identifiers: ClinVar variation 3645217 (VCV003645217.2).
Genomic context (GRCh38, chr8:41,933,985, plus strand): 5'-GTCAAAGACTGCACTGCCTGTACAGTTTCCAGATCCAGCTCACTATGAGGAATCTCTTCC[T>A]CCTCTTTTAATTCGATTAACTCTTCCTTAGTGTGGGAGTCTTCTTCGTGGTCGTCCTCAG-3'
Protein context (NP_006757.2, residues 1402-1422): TKEELIELKE[Glu1412Val]EEIPHSELDL

ClinVar aggregate classification (germline): Uncertain significance (1 of 4 stars; one submission).

gnomAD v4.1: 1 of 1,614,086 alleles (0.000062%); highest among the groups gnomAD compares: Non-Finnish European, 0.000085%; no homozygotes.

Submission:

Labcorp Genetics (formerly Invitae), Labcorp
Classification: Uncertain significance. Last evaluated: 2024-03-09. Review status: criteria provided, single submitter. Criteria: Invitae Variant Classification Sherloc (09022015). Collection method: clinical testing. Allele origin: germline.
Comment: This sequence change replaces glutamic acid, which is acidic and polar, with valine, which is neutral and non-polar, at codon 1412 of the KAT6A protein (p.Glu1412Val). This variant is not present in population databases (gnomAD no frequency). This variant has not been reported in the literature in individuals affected with KAT6A-related conditions. Advanced modeling of protein sequence and biophysical properties (such as structural, functional, and spatial information, amino acid conservation, physicochemical variation, residue mobility, and thermodynamic stability) performed at Invitae indicates that this missense variant is not expected to disrupt KAT6A protein function with a negative predictive value of 80%. In summary, the available evidence is currently insufficient to determine the role of this variant in disease. Therefore, it has been classified as a Variant of Uncertain Significance.